The following is an entry in ClinVar:

ClinVar aggregate classification (germline): Uncertain significance (1 of 4 stars; one submission).

Conditions:
LAMA5-related disorder. Also called: LAMA5-related condition; LAMA5-Related Disorders.

Allele frequency attached by ClinVar (database versions not stated): gnomAD exomes 0.00001.
gnomAD v4.1: 3 of 1,606,538 alleles (0.00019%); highest among the groups gnomAD compares: Non-Finnish European, 0.00025%; no homozygotes.

Submission:

PreventionGenetics, part of Exact Sciences
Classification: Uncertain significance for LAMA5-related condition. Last evaluated: 2023-02-07. Review status: criteria provided, single submitter. Criteria: ACMG Guidelines, 2015. Collection method: clinical testing. Allele origin: germline.
Comment: The LAMA5 c.3374G>A variant is predicted to result in the amino acid substitution p.Gly1125Asp. To our knowledge, this variant has not been reported in the literature. This variant is reported in 0.00093% of alleles in individuals of European (Non-Finnish) descent in gnomAD. At this time, the clinical significance of this variant is uncertain due to the absence of conclusive functional and genetic evidence.

NM_005560.6(LAMA5):c.3374G>A (p.Gly1125Asp)

Gene: LAMA5 (laminin subunit alpha 5; minus strand). Cytogenetic location: 20q13.33.
Variant type: single nucleotide variant.
Coding change: c.3374G>A on transcript NM_005560.6 (MANE Select); coding-DNA position 3374, G replaced by A.
Protein change: p.Gly1125Asp; replaces glycine 1125 with aspartic acid.
Molecular consequence: missense variant.
Genome position (GRCh38, 1-based): chr20:62,332,626, C>T on the plus strand (G>A on the coding strand, the complement: LAMA5 is on the minus strand). VCF-style: chr20-62332626-C-T. GRCh37 (hg19) VCF-style: chr20-60907682-C-T.
Other names: short protein forms G1125D.
Identifiers: ClinVar variation 2634621 (VCV002634621.1), dbSNP rs1265988454, ClinGen allele CA409568126.